The following is an entry in ClinVar:

NM_005121.3(MED13):c.767A>G (p.Asp256Gly)

Gene: MED13 (mediator complex subunit 13; minus strand). Cytogenetic location: 17q23.2.
Variant type: single nucleotide variant.
Coding change: c.767A>G on transcript NM_005121.3 (MANE Select); coding-DNA position 767, A replaced by G.
Protein change: p.Asp256Gly; replaces aspartic acid 256 with glycine.
Molecular consequence: missense variant.
Genome position (GRCh38, 1-based): chr17:62,033,834, T>C on the plus strand (A>G on the coding strand, the complement: MED13 is on the minus strand). VCF-style: chr17-62033834-T-C. GRCh37 (hg19) VCF-style: chr17-60111195-T-C.
Other names: short protein forms D256G.
Identifiers: ClinVar variation 3364095 (VCV003364095.1).
Genomic context (GRCh38, chr17:62,033,834, plus strand): 5'-TCAGGATCCATACCAACAAGAACTTCTACTGCAGCTAAAGAATCATCTTCCCAATCCATA[T>C]CTTCCTGTTTTTCTTCAGACATCTCCTTCAAGCAACATGAGATAGGATAGAACTGTTTCC-3'
Protein context (NP_005112.2, residues 246-266): LKEMSEEKQE[Asp256Gly]MDWEDDSLAA

ClinVar aggregate classification (germline): Uncertain significance (1 of 4 stars; one submission).

Submission:

GeneDx
Classification: Uncertain significance. Last evaluated: 2023-11-08. Review status: criteria provided, single submitter. Criteria: GeneDx Variant Classification Process June 2021. Collection method: clinical testing. Allele origin: germline. Affected: yes.
Comment: Not observed at significant frequency in large population cohorts (gnomAD); In silico analysis supports a deleterious effect on splicing; In silico analysis supports that this missense variant does not alter protein structure/function; Has not been previously published as pathogenic or benign to our knowledge